The following is an entry in ClinVar:

ClinVar aggregate classification (germline): Uncertain significance (1 of 4 stars; one submission).

Conditions:
Microcephalic primordial dwarfism, Alazami type. Also called: Alazami syndrome; FACIAL DYSMORPHISM, INTELLECTUAL DISABILITY, AND PRIMORDIAL DWARFISM. Identifiers: Orphanet 319671, MedGen C3554439, MONDO:0014031, OMIM 615071.

Allele frequency attached by ClinVar (database versions not stated): TOPMed 0.00001; gnomAD 0.00001.
gnomAD v4.1: 2 of 1,561,762 alleles (0.00013%); highest among the groups gnomAD compares: African/African-American, 0.0014%; no homozygotes.

Submission:

Baylor Genetics
Classification: Uncertain significance for Microcephalic primordial dwarfism, Alazami type. Last evaluated: 2019-01-29. Review status: criteria provided, single submitter. Criteria: ACMG Guidelines, 2015. Collection method: clinical testing. Allele origin: unknown. Affected: yes.
Comment: This variant was determined to be of uncertain significance according to ACMG Guidelines, 2015 [PMID:25741868].

NM_016648.4(LARP7):c.1417-15T>G

Gene: LARP7 (La ribonucleoprotein 7, transcriptional regulator; plus strand). Cytogenetic location: 4q25.
Variant type: single nucleotide variant.
Coding change: c.1417-15T>G on transcript NM_016648.4 (MANE Select); 15 bases into the intron before coding-DNA position 1417, T replaced by G.
Molecular consequence: intron variant.
Genome position (GRCh38, 1-based): chr4:112,653,062, T>G. VCF-style: chr4-112653062-T-G. GRCh37 (hg19) VCF-style: chr4-113574218-T-G.
Other names: c.1417-15T>G (NM_001267039.4, NM_001370978.1, NM_015454.3); c.1456-15T>G (NM_001370974.1, NM_001370975.1); c.1453-15T>G (NM_001370976.1, NM_001370977.1); c.1414-15T>G (NM_001370979.1, NM_001370980.1); c.1180-15T>G (NM_001370982.1, NM_001370981.1).
Identifiers: ClinVar variation 1030574 (VCV001030574.2), dbSNP rs755713392, ClinGen allele CA554146519.